The following is an entry in ClinVar:

ClinVar aggregate classification (germline): Likely benign (1 of 4 stars; one submission).

Submission:

GeneDx
Classification: Likely benign. Last evaluated: 2018-06-19. Review status: criteria provided, single submitter. Criteria: GeneDx Variant Classification (06012015). Collection method: clinical testing. Allele origin: germline. Affected: yes.
Comment: This variant is considered likely benign or benign based on one or more of the following criteria: it is a conservative change, it occurs at a poorly conserved position in the protein, it is predicted to be benign by multiple in silico algorithms, and/or has population frequency not consistent with disease.

NM_000069.3(CACNA1S):c.259-149dup

Gene: CACNA1S (calcium voltage-gated channel subunit alpha1 S; minus strand). Cytogenetic location: 1q32.1.
Variant type: Duplication.
Coding change: c.259-149dup on transcript NM_000069.3 (MANE Select); 149 bases into the intron before coding-DNA position 259, one base duplicated (G; older notation c.259-149dupG).
Molecular consequence: intron variant.
Genome position (GRCh38, 1-based): chr1:201,094,164, C duplicated on the plus strand (G on the coding strand, the reverse complement: CACNA1S is on the minus strand); the first of 7 consecutive C bases (chr1:201,094,164-201,094,170); duplicating any one gives the same sequence. VCF-style (leftmost placement, unchanged base first): chr1-201094163-A-AC. GRCh37 (hg19) VCF-style: chr1-201063291-A-AC.
Identifiers: ClinVar variation 680746 (VCV000680746.1), dbSNP rs201338755, ClinGen allele CA35998719.
Genomic context (GRCh38, chr1:201,094,163, plus strand): 5'-TCCCTGCTGTTGCTCAGGCACGCCCACCTCAGGACGTTTGCACTTGCTGATGGAATGCCT[A>AC]CCCCCCCACTCCACACCTACATGCCCCCACACTGCCACTCCCTCACTTTCCACAGGTCTT-3'